The following is an entry in ClinVar:

ClinVar aggregate classification (germline): Uncertain significance. Review status: criteria provided, multiple submitters, no conflicts (2 of 4 stars). 2 submissions from 2 submitters: Uncertain significance (2). Last evaluated 2025-04-05.

Conditions:
RASopathy. Also called: rasopathies; Noonan spectrum disorder. Identifiers: Orphanet 536391, MedGen C5555857, MONDO:0021060.
Cardiovascular phenotype. Identifiers: MedGen CN230736.

Submissions (2):

Ambry Genetics
Classification: Uncertain significance for Cardiovascular phenotype. Last evaluated: 2025-04-05. Review status: criteria provided, single submitter. Criteria: Ambry Variant Classification Scheme 2023. Collection method: clinical testing. Allele origin: germline.
Comment: The p.F158S variant (also known as c.473T>C), located in coding exon 3 of the CBL gene, results from a T to C substitution at nucleotide position 473. The phenylalanine at codon 158 is replaced by serine, an amino acid with highly dissimilar properties. This amino acid position is conserved. In addition, this alteration is predicted to be deleterious by in silico analysis. Based on the available evidence, the clinical significance of this variant remains unclear.

Labcorp Genetics (formerly Invitae), Labcorp
Classification: Uncertain significance for RASopathy. Last evaluated: 2021-04-19. Review status: criteria provided, single submitter. Criteria: Invitae Variant Classification Sherloc (09022015). Collection method: clinical testing. Allele origin: germline.
Comment: This variant has not been reported in the literature in individuals with CBL-related conditions. This sequence change replaces phenylalanine with serine at codon 158 of the CBL protein (p.Phe158Ser). The phenylalanine residue is highly conserved and there is a large physicochemical difference between phenylalanine and serine. This variant is not present in population databases (ExAC no frequency). Advanced modeling of protein sequence and biophysical properties (such as structural, functional, and spatial information, amino acid conservation, physicochemical variation, residue mobility, and thermodynamic stability) performed at Invitae indicates that this missense variant is expected to disrupt CBL protein function. In summary, the available evidence is currently insufficient to determine the role of this variant in disease. Therefore, it has been classified as a Variant of Uncertain Significance.

NM_005188.4(CBL):c.473T>C (p.Phe158Ser)

Gene: CBL (Cbl proto-oncogene; plus strand). Cytogenetic location: 11q23.3.
Variant type: single nucleotide variant.
Coding change: c.473T>C on transcript NM_005188.4 (MANE Select); coding-DNA position 473, T replaced by C.
Protein change: p.Phe158Ser; replaces phenylalanine 158 with serine.
Molecular consequence: missense variant.
Genome position (GRCh38, 1-based): chr11:119,271,764, T>C. VCF-style: chr11-119271764-T-C. GRCh37 (hg19) VCF-style: chr11-119142474-T-C.
Other names: c.473T>C (NM_005188.2); short protein forms F158S.
Identifiers: ClinVar variation 1474802 (VCV001474802.9), dbSNP rs2135297020, ClinGen allele CA382907131.